The following is an entry in ClinVar:

NM_005592.4(MUSK):c.1847C>T (p.Ser616Leu)

Gene: MUSK (muscle associated receptor tyrosine kinase; plus strand). Cytogenetic location: 9q31.3.
Variant type: single nucleotide variant.
Coding change: c.1847C>T on transcript NM_005592.4 (MANE Select); coding-DNA position 1847, C replaced by T.
Protein change: p.Ser616Leu; replaces serine 616 with leucine.
Molecular consequence: missense variant.
Genome position (GRCh38, 1-based): chr9:110,787,758, C>T. VCF-style: chr9-110787758-C-T. GRCh37 (hg19) VCF-style: chr9-113550038-C-T.
Other names: c.1589C>T, p.Ser530Leu (NM_001166280.2); c.1559C>T, p.Ser520Leu (NM_001166281.2); c.587C>T, p.Ser196Leu (NM_001369398.1); short protein forms S616L, S196L, S530L, S520L.
Identifiers: ClinVar variation 542748 (VCV000542748.7), dbSNP rs181652070, ClinGen allele CA5184487.
Genomic context (GRCh38, chr9:110,787,758, plus strand): 5'-GCTTACTTCCCTATGAACCTTTCACTATGGTGGCAGTAAAGATGCTCAAAGAAGAAGCCT[C>T]GGCAGATATGCAAGCGGACTTTCAGAGGGAGGCAGCCCTCATGGCAGAATTTGACAACCC-3'
Protein context (NP_005583.1, residues 606-626): VAVKMLKEEA[Ser616Leu]ADMQADFQRE

ClinVar aggregate classification (germline): Uncertain significance. Review status: criteria provided, multiple submitters, no conflicts (2 of 4 stars). 2 submissions from 2 submitters: Uncertain significance (2). Last evaluated 2025-06-06.

Conditions:
Congenital myasthenic syndrome 9. Also called: Myasthenic syndrome, congenital, 9, associated with acetylcholine receptor deficiency. Identifiers: Orphanet 590, MedGen C4225368, MONDO:0014587, OMIM 616325.
Fetal akinesia deformation sequence 1 (FADS1). Also called: Pena-Shokeir syndrome type I; Fetal akinesia sequence. Identifiers: Orphanet 994, MedGen C1276035, MONDO:0100101, OMIM 208150, HP:0001989.
Inborn genetic diseases. Identifiers: MedGen C0950123, MeSH D030342.

Allele frequency attached by ClinVar (database versions not stated): gnomAD exomes 0.00002; ExAC 0.00003; TOPMed 0.00003; gnomAD 0.00005; 1000 Genomes Project 30x 0.00031; 1000 Genomes Project 0.00040.
gnomAD v4.1: 39 of 1,613,818 alleles (0.0024%); highest among the groups gnomAD compares: East Asian, 0.0067%; no homozygotes.

Submissions (2):

Ambry Genetics
Classification: Uncertain significance for Inborn genetic diseases. Last evaluated: 2025-06-06. Review status: criteria provided, single submitter. Criteria: Ambry Variant Classification Scheme 2023. Collection method: clinical testing. Allele origin: germline.

Labcorp Genetics (formerly Invitae), Labcorp
Classification: Uncertain significance for Congenital myasthenic syndrome 9; Fetal akinesia deformation sequence 1. Last evaluated: 2021-08-26. Review status: criteria provided, single submitter. Criteria: Invitae Variant Classification Sherloc (09022015). Collection method: clinical testing. Allele origin: germline.
Comment: This sequence change replaces serine with leucine at codon 616 of the MUSK protein (p.Ser616Leu). The serine residue is highly conserved and there is a large physicochemical difference between serine and leucine. This variant is present in population databases (rs181652070, ExAC 0.006%). This variant has not been reported in the literature in individuals affected with MUSK-related conditions. Algorithms developed to predict the effect of missense changes on protein structure and function (SIFT, PolyPhen-2, Align-GVGD) all suggest that this variant is likely to be disruptive. In summary, the available evidence is currently insufficient to determine the role of this variant in disease. Therefore, it has been classified as a Variant of Uncertain Significance.